The following is an entry in ClinVar:

NM_000169.3(GLA):c.3G>A (p.Met1Ile)

Genes: GLA (galactosidase alpha; minus strand), RPL36A-HNRNPH2 (RPL36A-HNRNPH2 readthrough; plus strand). Cytogenetic location: Xq22.1.
Variant type: single nucleotide variant.
Coding change: c.3G>A on transcript NM_000169.3 (MANE Select); coding-DNA position 3, G replaced by A.
Protein change: p.Met1Ile; changes the start codon (methionine 1).
Molecular consequence: missense variant, initiator codon variant. On other transcripts: non-coding transcript variant (3), intron variant (2).
Genome position (GRCh38, 1-based): chrX:101,407,901, C>T on the plus strand (G>A on the coding strand, the complement: GLA is on the minus strand). VCF-style: chrX-101407901-C-T. GRCh37 (hg19) VCF-style: chrX-100662889-C-T.
Other names: c.3G>A, p.Met1Ile (NM_001406747.1, NM_001406748.1, NM_001406749.1); c.301-4035C>T (NM_001199973.2); c.178-4035C>T (NM_001199974.2); short protein forms M1I.
Identifiers: ClinVar variation 1065155 (VCV001065155.12), dbSNP rs2147487910, ClinGen allele CA413937941.
Genomic context (GRCh38, chrX:101,407,901, plus strand): 5'-GAGGGCCAGGAAGCGAAGCGCAAGCGCGCAGCCCAGATGTAGTTCTGGGTTCCTCAGCTG[C>T]ATTGTCACGGTGACCGGACAGCATAAATTTCCGCGGGTAACCTGGGCTTTTAAGATTAAC-3'
Protein context (NP_000160.1, residues 1-11): [Met1Ile]QLRNPELHLG

ClinVar aggregate classification (germline): Pathogenic/Likely pathogenic. Review status: criteria provided, multiple submitters, no conflicts (2 of 4 stars). 5 submissions from 5 submitters: Pathogenic (4); Likely pathogenic (1). Last evaluated 2026-09-08.

Conditions:
Fabry disease. Also called: Fabry's disease; Angiokeratoma corporis diffusum; GLA DEFICIENCY; HEREDITARY DYSTOPIC LIPIDOSIS; ALPHA-GALACTOSIDASE A DEFICIENCY; ANDERSON-FABRY DISEASE. Identifiers: Orphanet 324, MedGen C0002986, MONDO:0010526, OMIM 301500, HP:0001071. Disease mechanism: loss of function, Fabry disease is due to inactivating mutations in the X-linked GLA gene resulting in deficiency of the enzyme Alpha Galactosidase-A..
Cardiovascular phenotype. Identifiers: MedGen CN230736.

Submissions (5):

Genomenon, Inc
Classification: Pathogenic for Fabry disease. Last evaluated: 2026-09-08. Review status: criteria provided, single submitter. Criteria: Genomenon Sequence Variant Interpretation Standards - Updated. Collection method: curation. Allele origin: germline. Affected: yes.
Comment: GLA p.Met1? (c.3G>A) is a variant that disrupts the initiation codon leading to an altered or absent protein product. This variant has been observed in at least one proband with clinical features consistent with Fabry disease (PMID:27896102;8807334;37480128). A de novo occurrence of this variant has been observed in at least one affected individual (PMID:27896102). At least one functional study has demonstrated a substantial alteration in protein function relative to the wild-type (PMID:27657681). It is absent or not present at a significant frequency in gnomAD. In conclusion, we classify GLA p.Met1? (c.3G>A) as a pathogenic variant.

Ambry Genetics
Classification: Pathogenic for Cardiovascular phenotype. Last evaluated: 2024-05-21. Review status: criteria provided, single submitter. Criteria: Ambry Variant Classification Scheme 2023. Collection method: clinical testing. Allele origin: germline.
Comment: The p.M1? pathogenic mutation (also known as c.3G>A) is located in coding exon 1 of the GLA gene and results from a G to A substitution at nucleotide position 3. This alters the methionine residue at the initiation codon (ATG). This alteration has been reported in individuals with Fabry disease, including a de novo occurrence in one individual (Blanch LC. Hum Mutat. 1996;8(1):38-43; Kobayashi M. Mol Genet Metab Rep. 2014 Aug 2;1:283-287). This variant is considered to be rare based on population cohorts in the Genome Aggregation Database (gnomAD). In addition to the clinical data presented in the literature, sequence variations that modify the initiation codon are expected to result in either loss of translation initiation, N-terminal truncation, or cause a shift in the mRNA reading frame. Based on the supporting evidence, this variant is interpreted as a disease-causing mutation.

Revvity Omics, Revvity
Classification: Pathogenic. Last evaluated: 2023-12-28. Review status: criteria provided, single submitter. Criteria: ACMG Guidelines, 2015. Collection method: clinical testing. Allele origin: germline.

Labcorp Genetics (formerly Invitae), Labcorp
Classification: Pathogenic for Fabry disease. Last evaluated: 2022-12-01. Review status: criteria provided, single submitter. Criteria: Invitae Variant Classification Sherloc (09022015). Collection method: clinical testing. Allele origin: germline.
Comment: For these reasons, this variant has been classified as Pathogenic. ClinVar contains an entry for this variant (Variation ID: 1065155). Disruption of the initiator codon has been observed in individual(s) with Fabry disease (PMID: 8807334, 12175777, 27896102, 28275245, 31372342). This variant is not present in population databases (gnomAD no frequency). This sequence change affects the initiator methionine of the GLA mRNA. The next in-frame methionine is located at codon 42.

Women's Health and Genetics/Laboratory Corporation of America, LabCorp
Classification: Likely pathogenic for Fabry disease. Last evaluated: 2021-04-08. Review status: criteria provided, single submitter. Criteria: LabCorp Variant Classification Summary - May 2015. Collection method: clinical testing. Allele origin: germline.
Comment: Variant summary: GLA c.3G>A (p.Met1Ile) alters the initiation codon and is predicted to result either in absence of the protein or truncation of the encoded protein due to translation initiation at a downstream codon. Three of five in-silico tools predict a damaging effect of the variant on protein function. The variant was absent in 183327 control chromosomes. c.3G>A has been reported in the literature in at-least two male individuals affected with Fabry Disease (example, Blanch_1996, Kobayashi_2014). These data indicate that the variant is likely associated with disease. At least one publication reports experimental evidence evaluating an impact on protein function in carrier females (Hossain_2019). The most pronounced variant effect results in 22-45% of normal activity in carrier females. No clinical diagnostic laboratories have submitted clinical-significance assessments for this variant to ClinVar after 2014. Based on the evidence outlined above, the variant was classified as likely pathogenic.

Literature cited by the submitters: PubMed 27896102 (cited by 4 submitters); PubMed 8807334 (cited by 4 submitters); PubMed 37480128 (cited by Genomenon, Inc); PubMed 27657681 (cited by Genomenon, Inc); PubMed 12175777 (cited by Labcorp Genetics (formerly Invitae), Labcorp); PubMed 28275245 (cited by Labcorp Genetics (formerly Invitae), Labcorp); PubMed 31372342 (cited by Labcorp Genetics (formerly Invitae), Labcorp and Women's Health and Genetics/Laboratory Corporation of America, LabCorp); PubMed 12359124 (cited by Women's Health and Genetics/Laboratory Corporation of America, LabCorp).